The following is an entry in ClinVar:

ClinVar aggregate classification (germline): Uncertain significance (1 of 4 stars; one submission).

Conditions:
Dilated cardiomyopathy 1HH (CMD1HH). Identifiers: Orphanet 154, MedGen C3151293, MONDO:0013479, OMIM 613881.
Myofibrillar myopathy 6. Identifiers: Orphanet 199340, MedGen C2751831, MONDO:0013061, OMIM 612954.

Submission:

Labcorp Genetics (formerly Invitae), Labcorp
Classification: Uncertain significance for Dilated cardiomyopathy 1HH; Myofibrillar myopathy 6. Last evaluated: 2025-06-09. Review status: criteria provided, single submitter. Criteria: Invitae Variant Classification Sherloc (09022015). Collection method: clinical testing. Allele origin: germline.
Comment: This sequence change replaces serine, which is neutral and polar, with threonine, which is neutral and polar, at codon 184 of the BAG3 protein (p.Ser184Thr). This variant is not present in population databases (gnomAD no frequency). This variant has not been reported in the literature in individuals affected with BAG3-related conditions. ClinVar contains an entry for this variant (Variation ID: 2044692). Invitae Evidence Modeling of protein sequence and biophysical properties (such as structural, functional, and spatial information, amino acid conservation, physicochemical variation, residue mobility, and thermodynamic stability) indicates that this missense variant is not expected to disrupt BAG3 protein function with a negative predictive value of 80%. In summary, the available evidence is currently insufficient to determine the role of this variant in disease. Therefore, it has been classified as a Variant of Uncertain Significance.

NM_004281.4(BAG3):c.550T>A (p.Ser184Thr)

Gene: BAG3 (BAG cochaperone 3; plus strand). Cytogenetic location: 10q26.11.
Variant type: single nucleotide variant.
Coding change: c.550T>A on transcript NM_004281.4 (MANE Select); coding-DNA position 550, T replaced by A.
Protein change: p.Ser184Thr; replaces serine 184 with threonine.
Molecular consequence: missense variant.
Genome position (GRCh38, 1-based): chr10:119,672,297, T>A. VCF-style: chr10-119672297-T-A. GRCh37 (hg19) VCF-style: chr10-121431809-T-A.
Other names: short protein forms S184T.
Identifiers: ClinVar variation 2044692 (VCV002044692.3), dbSNP rs1847161262, ClinGen allele CA378295319.